The following is an entry in ClinVar:

ClinVar aggregate classification (germline): Uncertain significance. Review status: criteria provided, multiple submitters, no conflicts (2 of 4 stars). 3 submissions from 3 submitters: Uncertain significance (3). Last evaluated 2024-12-29.

Conditions:
Inborn genetic diseases. Identifiers: MedGen C0950123, MeSH D030342.

gnomAD v4.1: 5 of 1,613,874 alleles (0.00031%); highest among the groups gnomAD compares: African/African-American, 0.0013%; no homozygotes.

Submissions (3):

Ambry Genetics
Classification: Uncertain significance for Inborn genetic diseases. Last evaluated: 2024-12-29. Review status: criteria provided, single submitter. Criteria: Ambry Variant Classification Scheme 2023. Collection method: clinical testing. Allele origin: germline.
Comment: The p.V141M variant (also known as c.421G>A), located in coding exon 1 of the SAMD9L gene, results from a G to A substitution at nucleotide position 421. The valine at codon 141 is replaced by methionine, an amino acid with highly similar properties. This amino acid position is conserved. In addition, this alteration is predicted to be tolerated by in silico analysis. Based on the available evidence, the clinical significance of this variant remains unclear.

Labcorp Genetics (formerly Invitae), Labcorp
Classification: Uncertain significance. Last evaluated: 2024-06-25. Review status: criteria provided, single submitter. Criteria: Invitae Variant Classification Sherloc (09022015). Collection method: clinical testing. Allele origin: germline.
Comment: This sequence change replaces valine, which is neutral and non-polar, with methionine, which is neutral and non-polar, at codon 141 of the SAMD9L protein (p.Val141Met). This variant is not present in population databases (gnomAD no frequency). This variant has not been reported in the literature in individuals affected with SAMD9L-related conditions. An algorithm developed to predict the effect of missense changes on protein structure and function (PolyPhen-2) suggests that this variant is likely to be tolerated. In summary, the available evidence is currently insufficient to determine the role of this variant in disease. Therefore, it has been classified as a Variant of Uncertain Significance.

GeneDx
Classification: Uncertain significance. Last evaluated: 2023-12-18. Review status: criteria provided, single submitter. Criteria: GeneDx Variant Classification Process June 2021. Collection method: clinical testing. Allele origin: germline. Affected: yes.
Comment: Not observed at significant frequency in large population cohorts (gnomAD); In silico analysis supports that this missense variant does not alter protein structure/function; Has not been previously published as pathogenic or benign to our knowledge

NM_152703.5(SAMD9L):c.421G>A (p.Val141Met)

Gene: SAMD9L (sterile alpha motif domain containing 9 like; minus strand). Cytogenetic location: 7q21.2.
Variant type: single nucleotide variant.
Coding change: c.421G>A on transcript NM_152703.5 (MANE Select); coding-DNA position 421, G replaced by A.
Protein change: p.Val141Met; replaces valine 141 with methionine.
Molecular consequence: missense variant.
Genome position (GRCh38, 1-based): chr7:93,135,551, C>T on the plus strand (G>A on the coding strand, the complement: SAMD9L is on the minus strand). VCF-style: chr7-93135551-C-T. GRCh37 (hg19) VCF-style: chr7-92764864-C-T.
Other names: c.421G>A (NM_152703.2); c.421G>A, p.Val141Met (NM_001303496.3, NM_001303497.3, NM_001303498.3 and 5 more transcripts); short protein forms V141M.
Identifiers: ClinVar variation 3369952 (VCV003369952.4).